The following is an entry in ClinVar:

NM_198271.5(LMOD3):c.1483C>T (p.Arg495Cys)

Gene: LMOD3 (leiomodin 3; minus strand). Cytogenetic location: 3p14.1.
Variant type: single nucleotide variant.
Coding change: c.1483C>T on transcript NM_198271.5 (MANE Select); coding-DNA position 1483, C replaced by T.
Protein change: p.Arg495Cys; replaces arginine 495 with cysteine.
Molecular consequence: missense variant.
Genome position (GRCh38, 1-based): chr3:69,118,872, G>A on the plus strand (C>T on the coding strand, the complement: LMOD3 is on the minus strand). VCF-style: chr3-69118872-G-A. GRCh37 (hg19) VCF-style: chr3-69168023-G-A.
Other names: c.1483C>T, p.Arg495Cys (NM_001304418.3); short protein forms R495C.
Identifiers: ClinVar variation 1371742 (VCV001371742.3), dbSNP rs749726841, ClinGen allele CA2488763.

ClinVar aggregate classification (germline): Uncertain significance (1 of 4 stars; one submission).

Conditions:
Nemaline myopathy 10 (NEM10). Identifiers: MedGen C4015360, MONDO:0014513, OMIM 616165.

gnomAD v4.1: 10 of 1,610,788 alleles (0.00062%); highest among the groups gnomAD compares: Middle Eastern, 0.016%; no homozygotes.

Submission:

Labcorp Genetics (formerly Invitae), Labcorp
Classification: Uncertain significance for Nemaline myopathy 10. Last evaluated: 2022-03-02. Review status: criteria provided, single submitter. Criteria: Invitae Variant Classification Sherloc (09022015). Collection method: clinical testing. Allele origin: germline.
Comment: This sequence change replaces arginine, which is basic and polar, with cysteine, which is neutral and slightly polar, at codon 495 of the LMOD3 protein (p.Arg495Cys). This variant is present in population databases (rs749726841, gnomAD 0.0009%). This variant has not been reported in the literature in individuals affected with LMOD3-related conditions. Algorithms developed to predict the effect of missense changes on protein structure and function (SIFT, PolyPhen-2, Align-GVGD) all suggest that this variant is likely to be disruptive. In summary, the available evidence is currently insufficient to determine the role of this variant in disease. Therefore, it has been classified as a Variant of Uncertain Significance.